The following is an entry in ClinVar:

GRCh38/hg38 22q11.21(chr22:18339130-20671425)x1

Genes: ARVCF (ARVCF delta catenin family member; minus strand), C22orf39 (chromosome 22 open reading frame 39; minus strand), CCDC188 (coiled-coil domain containing 188; minus strand), CDC45 (cell division cycle 45; plus strand), CLDN5 (claudin 5; minus strand) and 146 more. Cytogenetic location: 22q11.21.
Variant type: copy number loss.
Change: copy number 1 (one copy instead of two) of chr22:18,339,130-20,671,425 (2.33 Mb, GRCh38 coordinates, 1-based), cytogenetic band 22q11.21.
Identifiers: ClinVar variation 59199 (VCV000059199.1).

ClinVar aggregate classification (germline): Pathogenic (1 of 4 stars; one submission).

Submission:

ISCA site 4
Classification: Pathogenic. Last evaluated: 2011-08-12. Review status: criteria provided, single submitter. Criteria: Kaminsky et al. (Genet Med. 2011). Collection method: clinical testing. Allele origin: unknown. Affected: yes. Observed: 1 variant allele.
Comment: Copy number variation identified through the course of routine clinical cytogenomic testing in postnatal populations. Clinical assertions have been curated as described in Kaminsky et al. 2011.